The following is an entry in ClinVar:

NM_001164508.2(NEB):c.4585A>T (p.Lys1529Ter)

Gene: NEB (nebulin; minus strand). Cytogenetic location: 2q23.3.
Variant type: single nucleotide variant.
Coding change: c.4585A>T on transcript NM_001164508.2 (MANE Select); coding-DNA position 4585, A replaced by T.
Protein change: p.Lys1529Ter; replaces lysine 1529 with a stop codon.
Molecular consequence: nonsense.
Genome position (GRCh38, 1-based): chr2:151,669,053, T>A on the plus strand (A>T on the coding strand, the complement: NEB is on the minus strand). VCF-style: chr2-151669053-T-A. GRCh37 (hg19) VCF-style: chr2-152525567-T-A.
Other names: c.4585A>T, p.Lys1529Ter (NM_001164507.2, NM_001271208.2, NM_004543.5); short protein forms K1529*.
Identifiers: ClinVar variation 1726268 (VCV001726268.2), dbSNP rs2552259315, ClinGen allele CA348814989.

ClinVar aggregate classification (germline): Likely pathogenic (1 of 4 stars; one submission).

Conditions:
Nemaline myopathy 2 (NEM2). Also called: Nemaline myopathy 2, autosomal recessive. Identifiers: MedGen C1850569, MONDO:0009725, OMIM 256030.

Submission:

Myriad Genetics, Inc.
Classification: Likely pathogenic for Nemaline myopathy 2. Last evaluated: 2021-12-10. Review status: criteria provided, single submitter. Criteria: Myriad Women's Health Autosomal Recessive and X-Linked Classification Criteria (2021). Collection method: clinical testing. Allele origin: unknown.
Comment: NM_001271208.1(NEB):c.4585A>T(K1529*) is expected to be pathogenic in the context of NEB-related nemaline myopathy. This variant is predicted to lead to an abnormal or absent protein product due to the creation of a premature termination codon in NEB, a gene where loss-of-function variants are known to be pathogenic. Please note: this variant was assessed in the context of healthy population screening.